The following is an entry in ClinVar:

NM_004821.3(HAND1):c.574G>A (p.Gly192Ser)

Gene: HAND1 (heart and neural crest derivatives expressed 1; minus strand). Cytogenetic location: 5q33.2.
Variant type: single nucleotide variant.
Coding change: c.574G>A on transcript NM_004821.3 (MANE Select); coding-DNA position 574, G replaced by A.
Protein change: p.Gly192Ser; replaces glycine 192 with serine.
Molecular consequence: missense variant.
Genome position (GRCh38, 1-based): chr5:154,475,880, C>T on the plus strand (G>A on the coding strand, the complement: HAND1 is on the minus strand). VCF-style: chr5-154475880-C-T. GRCh37 (hg19) VCF-style: chr5-153855440-C-T.
Other names: short protein forms G192S.
Identifiers: ClinVar variation 1383106 (VCV001383106.6), dbSNP rs2113300916, ClinGen allele CA361920606.

ClinVar aggregate classification (germline): Uncertain significance (1 of 4 stars; one submission).

Conditions:
Hypoplastic left heart syndrome. Also called: Hypoplastic left ventricle; Hypoplastic left heart. Identifiers: Orphanet 2248, MedGen C0152101, MONDO:0004933, HP:0004383.

Submission:

Labcorp Genetics (formerly Invitae), Labcorp
Classification: Uncertain significance for Hypoplastic left heart syndrome. Last evaluated: 2024-03-04. Review status: criteria provided, single submitter. Criteria: Invitae Variant Classification Sherloc (09022015). Collection method: clinical testing. Allele origin: germline.
Comment: This sequence change replaces glycine, which is neutral and non-polar, with serine, which is neutral and polar, at codon 192 of the HAND1 protein (p.Gly192Ser). This variant is not present in population databases (gnomAD no frequency). This variant has not been reported in the literature in individuals affected with HAND1-related conditions. ClinVar contains an entry for this variant (Variation ID: 1383106). An algorithm developed to predict the effect of missense changes on protein structure and function (PolyPhen-2) suggests that this variant is likely to be tolerated. In summary, the available evidence is currently insufficient to determine the role of this variant in disease. Therefore, it has been classified as a Variant of Uncertain Significance.